The following is an entry in ClinVar:

NM_001844.5(COL2A1):c.2471G>A (p.Arg824His)

Gene: COL2A1 (collagen type II alpha 1 chain; minus strand). Cytogenetic location: 12q13.11.
Variant type: single nucleotide variant.
Coding change: c.2471G>A on transcript NM_001844.5 (MANE Select); coding-DNA position 2471, G replaced by A.
Protein change: p.Arg824His; replaces arginine 824 with histidine.
Molecular consequence: missense variant.
Genome position (GRCh38, 1-based): chr12:47,980,961, C>T on the plus strand (G>A on the coding strand, the complement: COL2A1 is on the minus strand). VCF-style: chr12-47980961-C-T. GRCh37 (hg19) VCF-style: chr12-48374744-C-T.
Other names: c.2264G>A, p.Arg755His (NM_033150.3); short protein forms R824H, R755H.
Identifiers: ClinVar variation 1912070 (VCV001912070.5), dbSNP rs762709402, ClinGen allele CA6535077.
Genomic context (GRCh38, chr12:47,980,961, plus strand): 5'-ACAGAGATACTCACAGGAGGCCCAGCAAATCCCGCTGGTCCGGGGGGCCCAGTCTCTCCA[C>T]GTTCACCCTGTGAGAGAAGGGGGCATGGCGAGAGGTCAGGCCCCGCTGCCTGACCTGCTT-3'
Protein context (NP_001835.3, residues 814-834): SAGARGAPGE[Arg824His]GETGPPGPAG

ClinVar aggregate classification (germline): Uncertain significance (1 of 4 stars; one submission).

Allele frequency attached by ClinVar (database versions not stated): gnomAD exomes 0.00001; TOPMed 0.00001; ExAC 0.00005.
gnomAD v4.1: 8 of 1,551,734 alleles (0.00052%); highest among the groups gnomAD compares: Non-Finnish European, 0.0007%; no homozygotes.

Submission:

Labcorp Genetics (formerly Invitae), Labcorp
Classification: Uncertain significance. Last evaluated: 2024-11-13. Review status: criteria provided, single submitter. Criteria: Invitae Variant Classification Sherloc (09022015). Collection method: clinical testing. Allele origin: germline.
Comment: This sequence change replaces arginine, which is basic and polar, with histidine, which is basic and polar, at codon 824 of the COL2A1 protein (p.Arg824His). This variant is not present in population databases (gnomAD no frequency). This variant has not been reported in the literature in individuals affected with COL2A1-related conditions. ClinVar contains an entry for this variant (Variation ID: 1912070). Invitae Evidence Modeling of protein sequence and biophysical properties (such as structural, functional, and spatial information, amino acid conservation, physicochemical variation, residue mobility, and thermodynamic stability) has been performed for this missense variant. However, the output from this modeling did not meet the statistical confidence thresholds required to predict the impact of this variant on COL2A1 protein function. In summary, the available evidence is currently insufficient to determine the role of this variant in disease. Therefore, it has been classified as a Variant of Uncertain Significance.